The following is an entry in ClinVar:

ClinVar aggregate classification (germline): Likely benign. Review status: criteria provided, multiple submitters, no conflicts (2 of 4 stars). 5 submissions from 5 submitters: Likely benign (5). Last evaluated 2026-01-28.

Conditions:
MYPN-related disorder. Also called: MYPN-related condition.
Cardiovascular phenotype. Identifiers: MedGen CN230736.
Dilated cardiomyopathy 1KK (CMD1KK). Identifiers: Orphanet 154, Orphanet 75249, MedGen C3714995, MONDO:0014100, OMIM 615248.

Allele frequency attached by ClinVar (database versions not stated): ExAC 0.00002; gnomAD exomes 0.00004 and 0.00012; gnomAD 0.00005; TOPMed 0.00007; ESP Exome Variant Server 0.00015.
gnomAD v4.1: 195 of 1,614,030 alleles (0.012%); highest among the groups gnomAD compares: Non-Finnish European, 0.015%; no homozygotes.

Submissions (5):

Labcorp Genetics (formerly Invitae), Labcorp
Classification: Likely benign for Dilated cardiomyopathy 1KK. Last evaluated: 2026-01-28. Review status: criteria provided, single submitter. Criteria: Invitae Variant Classification Sherloc (09022015). Collection method: clinical testing. Allele origin: germline.

PreventionGenetics, part of Exact Sciences
Classification: Likely benign for MYPN-related condition. Last evaluated: 2025-06-18. Review status: criteria provided, single submitter. Criteria: ACMG Guidelines, 2015. Collection method: clinical testing. Allele origin: germline.
Comment: This variant is classified as likely benign based on ACMG/AMP sequence variant interpretation guidelines (Richards et al. 2015 PMID: 25741868, with internal and published modifications).

Women's Health and Genetics/Laboratory Corporation of America, LabCorp
Classification: Likely benign. Last evaluated: 2024-12-20. Review status: criteria provided, single submitter. Criteria: LabCorp Variant Classification Summary - May 2015. Collection method: clinical testing. Allele origin: germline.

Ambry Genetics
Classification: Likely benign for Cardiovascular phenotype. Last evaluated: 2019-05-20. Review status: criteria provided, single submitter. Criteria: Ambry Variant Classification Scheme 2023. Collection method: clinical testing. Allele origin: germline.

Laboratory for Molecular Medicine, Mass General Brigham Personalized Medicine
Classification: Likely benign. Last evaluated: 2015-09-09. Review status: criteria provided, single submitter. Criteria: LMM Criteria. Collection method: clinical testing. Allele origin: germline. Observed: 1 variant allele.
Comment: p.Arg1194Arg in exon 19 of MYPN: This variant is not expected to have clinical s ignificance because it does not alter an amino acid residue and is not located w ithin the splice consensus sequence. It has been identified in 1/10296 African c hromosomes by the Exome Aggregation Consortium (ExAC .org; dbSNP rs139820597).

NM_032578.4(MYPN):c.3582C>T (p.Arg1194=)

Gene: MYPN (myopalladin; plus strand). Cytogenetic location: 10q21.3.
Variant type: single nucleotide variant.
Coding change: c.3582C>T on transcript NM_032578.4 (MANE Select); coding-DNA position 3582, C replaced by T.
Protein change: p.Arg1194=; no amino-acid change (arginine 1194 retained).
Molecular consequence: synonymous variant. On other transcripts: non-coding transcript variant (2).
Genome position (GRCh38, 1-based): chr10:68,201,917, C>T. VCF-style: chr10-68201917-C-T. GRCh37 (hg19) VCF-style: chr10-69961674-C-T.
Other names: c.3582C>T, p.Arg1194= (NM_001256267.2); c.2700C>T, p.Arg900= (NM_001256268.2).
Identifiers: ClinVar variation 227720 (VCV000227720.18), dbSNP rs139820597, ClinGen allele CA5523097.